The following is an entry in ClinVar:

ClinVar aggregate classification (germline): Uncertain significance (1 of 4 stars; one submission).

Conditions:
Pierson syndrome. Also called: MICROCORIA-CONGENITAL NEPHROTIC SYNDROME. Identifiers: Orphanet 2670, MedGen C1836876, MONDO:0012184, OMIM 609049.
LAMB2-related infantile-onset nephrotic syndrome. Also called: NEPHROTIC SYNDROME, TYPE 5, WITHOUT OCULAR ABNORMALITIES; NEPHROTIC SYNDROME, TYPE 5, WITH OCULAR ABNORMALITIES; Nephrotic Syndrome, type 5. Identifiers: Orphanet 306507, MedGen C3280113, MONDO:0013621, OMIM 614199.

Allele frequency attached by ClinVar (database versions not stated): TOPMed below 0.00001; ExAC 0.00001.

Submission:

Labcorp Genetics (formerly Invitae), Labcorp
Classification: Uncertain significance for LAMB2-related infantile-onset nephrotic syndrome; Pierson syndrome. Last evaluated: 2022-05-31. Review status: criteria provided, single submitter. Criteria: Invitae Variant Classification Sherloc (09022015). Collection method: clinical testing. Allele origin: germline.
Comment: This variant is present in population databases (rs751854328, gnomAD 0.006%). This sequence change replaces arginine, which is basic and polar, with tryptophan, which is neutral and slightly polar, at codon 1365 of the LAMB2 protein (p.Arg1365Trp). This variant has not been reported in the literature in individuals affected with LAMB2-related conditions. Algorithms developed to predict the effect of missense changes on protein structure and function (SIFT, PolyPhen-2, Align-GVGD) all suggest that this variant is likely to be disruptive. In summary, the available evidence is currently insufficient to determine the role of this variant in disease. Therefore, it has been classified as a Variant of Uncertain Significance.

NM_002292.4(LAMB2):c.4093C>T (p.Arg1365Trp)

Gene: LAMB2 (laminin subunit beta 2; minus strand). Cytogenetic location: 3p21.31.
Variant type: single nucleotide variant.
Coding change: c.4093C>T on transcript NM_002292.4 (MANE Select); coding-DNA position 4093, C replaced by T.
Protein change: p.Arg1365Trp; replaces arginine 1365 with tryptophan.
Molecular consequence: missense variant.
Genome position (GRCh38, 1-based): chr3:49,123,263, G>A on the plus strand (C>T on the coding strand, the complement: LAMB2 is on the minus strand). VCF-style: chr3-49123263-G-A. GRCh37 (hg19) VCF-style: chr3-49160696-G-A.
Other names: short protein forms R1365W.
Identifiers: ClinVar variation 2081703 (VCV002081703.2), dbSNP rs751854328, ClinGen allele CA2393875.